The following is an entry in ClinVar:

NM_000318.3(PEX2):c.171del (p.Ala58fs)

Gene: PEX2 (peroxisomal biogenesis factor 2; minus strand). Cytogenetic location: 8q21.13.
Variant type: Deletion.
Coding change: c.171del on transcript NM_000318.3 (MANE Select); coding-DNA position 171, one base deleted (A; older notation c.171delA).
Protein change: p.Ala58fs; shifts the reading frame from alanine 58.
Molecular consequence: frameshift variant.
Genome position (GRCh38, 1-based): chr8:76,984,008, T deleted on the plus strand (A on the coding strand, the reverse complement: PEX2 is on the minus strand); the first of 3 consecutive T bases (chr8:76,984,008-76,984,010); deleting any one gives the same sequence. VCF-style (leftmost placement, unchanged base first): chr8-76984007-CT-C. GRCh37 (hg19) VCF-style: chr8-77896243-CT-C.
Other names: c.171del, p.Ala58fs (NM_001079867.2, NM_001172086.2, NM_001172087.2); short protein forms A58fs.
Identifiers: ClinVar variation 3240088 (VCV003240088.3), dbSNP rs2487453331.

ClinVar aggregate classification (germline): Pathogenic/Likely pathogenic. Review status: criteria provided, multiple submitters, no conflicts (2 of 4 stars). 3 submissions from 3 submitters: Pathogenic (1); Likely pathogenic (2). Last evaluated 2026-01-14.

Conditions:
Peroxisome biogenesis disorder 5B (PBD5B). Identifiers: Orphanet 44, MedGen C3542026, MONDO:0013933, OMIM 614867.
Peroxisome biogenesis disorder 5A (Zellweger) (PBD5A). Identifiers: Orphanet 912, MedGen C3553940, MONDO:0013932, OMIM 614866.

Submissions (3):

Labcorp Genetics (formerly Invitae), Labcorp
Classification: Pathogenic for Peroxisome biogenesis disorder 5A (Zellweger). Last evaluated: 2026-01-14. Review status: criteria provided, single submitter. Criteria: Invitae Variant Classification Sherloc (09022015). Collection method: clinical testing. Allele origin: germline.
Comment: This sequence change creates a premature translational stop signal (p.Ala58Argfs*24) in the PEX2 gene. While this is not anticipated to result in nonsense mediated decay, it is expected to disrupt the last 248 amino acid(s) of the PEX2 protein. This variant is not present in population databases (gnomAD no frequency). This variant has not been reported in the literature in individuals affected with PEX2-related conditions. ClinVar contains an entry for this variant (Variation ID: 3240088). This variant disrupts a region of the PEX2 protein in which other variant(s) (p.His261Arg) have been determined to be pathogenic (PMID: 21031596, 35012964). This suggests that this is a clinically significant region of the protein, and that variants that disrupt it are likely to be disease-causing. For these reasons, this variant has been classified as Pathogenic.

Fulgent Genetics
Classification: Likely pathogenic for Peroxisome biogenesis disorder 5A (Zellweger); Peroxisome biogenesis disorder 5B. Last evaluated: 2024-03-24. Review status: criteria provided, single submitter. Criteria: ACMG Guidelines, 2015. Collection method: clinical testing. Allele origin: germline.

Baylor Genetics
Classification: Likely pathogenic for Peroxisome biogenesis disorder 5A (Zellweger). Last evaluated: 2024-01-16. Review status: criteria provided, single submitter. Criteria: ACMG Guidelines, 2015. Collection method: clinical testing. Allele origin: unknown.

Literature cited by the submitters: PubMed 21031596 (cited by Labcorp Genetics (formerly Invitae), Labcorp); PubMed 35012964 (cited by Labcorp Genetics (formerly Invitae), Labcorp).